The following is an entry in ClinVar:

ClinVar aggregate classification (germline): Uncertain significance (1 of 4 stars; one submission).

Conditions:
Cardiovascular phenotype. Identifiers: MedGen CN230736.

gnomAD v4.1: 1 of 1,613,932 alleles (0.000062%); no homozygotes.

Submission:

Ambry Genetics
Classification: Uncertain significance for Cardiovascular phenotype. Last evaluated: 2026-04-27. Review status: criteria provided, single submitter. Criteria: Ambry Variant Classification Scheme 2023. Collection method: clinical testing. Allele origin: germline.
Comment: The p.I3218V variant (also known as c.9652A>G), located in coding exon 68 of the RYR2 gene, results from an A to G substitution at nucleotide position 9652. The isoleucine at codon 3218 is replaced by valine, an amino acid with highly similar properties. This amino acid position is conserved. In addition, this alteration is predicted to be tolerated by in silico analysis. Based on the available evidence, the clinical significance of this variant remains unclear.

NM_001035.3(RYR2):c.9652A>G (p.Ile3218Val)

Gene: RYR2 (ryanodine receptor 2; plus strand). Cytogenetic location: 1q43.
Variant type: single nucleotide variant.
Coding change: c.9652A>G on transcript NM_001035.3 (MANE Select); coding-DNA position 9652, A replaced by G.
Protein change: p.Ile3218Val; replaces isoleucine 3218 with valine.
Molecular consequence: missense variant.
Genome position (GRCh38, 1-based): chr1:237,707,020, A>G. VCF-style: chr1-237707020-A-G. GRCh37 (hg19) VCF-style: chr1-237870320-A-G.
Other names: short protein forms I3218V.
Identifiers: ClinVar variation 4863715 (VCV004863715.1).
Genomic context (GRCh38, chr1:237,707,020, plus strand): 5'-CCAACTAATGTGGAAGATGTTTGTCCAAACATACCGTCTTTGGAGAAACTCATGGAAGAA[A>G]TCGTGGAATTAGCCGAGTCCGGCATTCGCTACACTCAAATGCCACATGTCATGGAAGTCA-3'
Protein context (NP_001026.2, residues 3208-3228): IPSLEKLMEE[Ile3218Val]VELAESGIRY